The following is an entry in ClinVar:

NM_000535.7(PMS2):c.354-13T>C

Gene: PMS2 (PMS1 homolog 2, mismatch repair system component; minus strand). Cytogenetic location: 7p22.1.
Variant type: single nucleotide variant.
Coding change: c.354-13T>C on transcript NM_000535.7 (MANE Select); 13 bases into the intron before coding-DNA position 354, T replaced by C.
Molecular consequence: intron variant. On other transcripts: missense variant (1).
Genome position (GRCh38, 1-based): chr7:6,002,649, A>G on the plus strand (T>C on the coding strand, the complement: PMS2 is on the minus strand). VCF-style: chr7-6002649-A-G. GRCh37 (hg19) VCF-style: chr7-6042280-A-G.
Other names: c.32T>C, p.Val11Ala (NM_001322015.2); c.36-13T>C (NM_001322008.2, NM_001322007.2); c.-52-13T>C (NM_001322010.2, NM_001322004.2, NM_001322013.2 and 3 more transcripts); c.-531-13T>C (NM_001322012.2, NM_001322011.2); c.354-13T>C (NM_001322006.2, NM_001322014.2); short protein forms V11A.
Identifiers: ClinVar variation 1576022 (VCV001576022.9), dbSNP rs1785236314, ClinGen allele CA1097974691.
Genomic context (GRCh38, chr7:6,002,649, plus strand): 5'-CGAGTTCCAACCTTCGCCGATGCGTGGCAGGTAGAAATGGTGACATCGCTGTGAGAGAAT[A>G]CCAGGCATGGTGTGTTCAGTGAGAGACCCATGATGTTGGGCACTGACTACTCTTTTCTTC-3'

ClinVar aggregate classification (germline): Likely benign. Review status: criteria provided, multiple submitters, no conflicts (2 of 4 stars). 2 submissions from 2 submitters: Likely benign (2). Last evaluated 2025-03-19.

Conditions:
Lynch syndrome 4 (LYNCH4). Also called: Colorectal cancer, hereditary nonpolyposis, type 4; Hereditary non-polyposis colorectal cancer, type 4. Identifiers: Orphanet 144, MedGen C1838333, MONDO:0013699, OMIM 614337. Disease mechanism: loss of function.
Hereditary nonpolyposis colorectal neoplasms. Identifiers: MedGen C0009405, MeSH D003123.

Allele frequency attached by ClinVar (database versions not stated): gnomAD exomes below 0.00001; TOPMed below 0.00001; gnomAD 0.00001.
gnomAD v4.1: 4 of 1,607,562 alleles (0.00025%); highest among the groups gnomAD compares: Non-Finnish European, 0.00034%; no homozygotes.

Submissions (2):

Labcorp Genetics (formerly Invitae), Labcorp
Classification: Likely benign for Hereditary nonpolyposis colorectal neoplasms. Last evaluated: 2025-03-19. Review status: criteria provided, single submitter. Criteria: Invitae Variant Classification Sherloc (09022015). Collection method: clinical testing. Allele origin: germline.

Myriad Genetics, Inc.
Classification: Likely benign for Lynch syndrome 4. Last evaluated: 2025-01-24. Review status: criteria provided, single submitter. Criteria: Myriad Autosomal Dominant, Autosomal Recessive and X-Linked Classification Criteria (2023). Collection method: clinical testing. Allele origin: unknown.
Comment: This variant is considered likely benign. This variant is intronic and is not expected to impact mRNA splicing.